The following is an entry in ClinVar:

NM_001368397.1(FRMPD4):c.1602G>T (p.Gln534His)

Gene: FRMPD4 (FERM and PDZ domain containing 4; plus strand). Cytogenetic location: Xp22.2.
Variant type: single nucleotide variant.
Coding change: c.1602G>T on transcript NM_001368397.1 (MANE Select); coding-DNA position 1602, G replaced by T.
Protein change: p.Gln534His; replaces glutamine 534 with histidine.
Molecular consequence: missense variant.
Genome position (GRCh38, 1-based): chrX:12,710,530, G>T. VCF-style: chrX-12710530-G-T. GRCh37 (hg19) VCF-style: chrX-12728649-G-T.
Other names: c.1713G>T, p.Gln571His (NM_001368395.3, NM_001368398.3); c.1608G>T, p.Gln536His (NM_001368396.3); c.1593G>T, p.Gln531His (NM_001368399.3); c.1482G>T, p.Gln494His (NM_001368400.3); c.1578G>T, p.Gln526His (NM_001368401.1, NM_001368402.3); c.1602G>T, p.Gln534His (NM_014728.3); short protein forms Q494H, Q526H, Q531H, Q534H, Q536H, Q571H.
Identifiers: ClinVar variation 2660007 (VCV002660007.25), dbSNP rs771897369, ClinGen allele CA10349330.

ClinVar aggregate classification (germline): Likely benign. Review status: criteria provided, multiple submitters, no conflicts (2 of 4 stars). 3 submissions from 3 submitters: Likely benign (3). Last evaluated 2025-05-05.

Conditions:
Inborn genetic diseases. Identifiers: MedGen C0950123, MeSH D030342.

Allele frequency attached by ClinVar (database versions not stated): gnomAD 0.00011; TOPMed 0.00013; ExAC 0.00024; gnomAD exomes 0.00030.
gnomAD v4.1: 348 of 1,203,911 alleles (0.029%); highest among the groups gnomAD compares: Non-Finnish European, 0.036%; no homozygotes.

Submissions (3):

Ambry Genetics
Classification: Likely benign for Inborn genetic diseases. Last evaluated: 2025-05-05. Review status: criteria provided, single submitter. Criteria: Ambry Variant Classification Scheme 2023. Collection method: clinical testing. Allele origin: germline.

CeGaT Center for Human Genetics Tuebingen
Classification: Likely benign. Last evaluated: 2023-08-01. Review status: criteria provided, single submitter. Criteria: CeGaT Center For Human Genetics Tuebingen Variant Classification Criteria Version 2. Collection method: clinical testing. Allele origin: germline. Affected: yes. Observed: 1 variant allele.
Comment: FRMPD4: BP4, BS2

Blueprint Genetics
Classification: Likely benign. Last evaluated: 2022-03-09. Review status: criteria provided, single submitter. Criteria: ACMG Guidelines, 2015. Collection method: clinical testing. Allele origin: germline.